The following is an entry in ClinVar:

ClinVar aggregate classification (germline): Uncertain significance (1 of 4 stars; one submission).

Conditions:
Congenital myasthenic syndrome 4A. Also called: Myasthenic syndrome, congenital, 4a, slow-channel; MYASTHENIC SYNDROME, CONGENITAL, 4A, SLOW-CHANNEL, AUTOSOMAL RECESSIVE; CONGENITAL MYASTHENIC SYNDROME TYPE Ia1. Identifiers: Orphanet 590, MedGen C4225413, MONDO:0011600, OMIM 605809.

Submission:

Labcorp Genetics (formerly Invitae), Labcorp
Classification: Uncertain significance for Congenital myasthenic syndrome 4A. Last evaluated: 2022-07-21. Review status: criteria provided, single submitter. Criteria: Invitae Variant Classification Sherloc (09022015). Collection method: clinical testing. Allele origin: germline.
Comment: In summary, the available evidence is currently insufficient to determine the role of this variant in disease. Therefore, it has been classified as a Variant of Uncertain Significance. This variant disrupts the p.Leu289 amino acid residue in CHRNE. Other variant(s) that disrupt this residue have been determined to be pathogenic (PMID: 7538206, 8872460, 21822932, 27779167). This suggests that this residue is clinically significant, and that variants that disrupt this residue are likely to be disease-causing. Advanced modeling of protein sequence and biophysical properties (such as structural, functional, and spatial information, amino acid conservation, physicochemical variation, residue mobility, and thermodynamic stability) performed at Invitae indicates that this missense variant is not expected to disrupt CHRNE protein function. This variant has not been reported in the literature in individuals affected with CHRNE-related conditions. This variant is not present in population databases (gnomAD no frequency). This sequence change replaces leucine, which is neutral and non-polar, with valine, which is neutral and non-polar, at codon 289 of the CHRNE protein (p.Leu289Val).

Literature cited by the submitters: PubMed 7538206; PubMed 8872460; PubMed 21822932; PubMed 27779167.

NM_000080.4(CHRNE):c.865C>G (p.Leu289Val)

Genes: C17orf107 (chromosome 17 open reading frame 107; plus strand), CHRNE (cholinergic receptor nicotinic epsilon subunit; minus strand). Cytogenetic location: 17p13.2.
Variant type: single nucleotide variant.
Coding change: c.865C>G on transcript NM_000080.4 (MANE Select); coding-DNA position 865, C replaced by G.
Protein change: p.Leu289Val; replaces leucine 289 with valine.
Molecular consequence: missense variant. On other transcripts: 3 prime UTR variant (1).
Genome position (GRCh38, 1-based): chr17:4,900,845, G>C on the plus strand (C>G on the coding strand, the complement: CHRNE is on the minus strand). VCF-style: chr17-4900845-G-C. GRCh37 (hg19) VCF-style: chr17-4804140-G-C.
Other names: c.*312G>C (NM_001145536.2); short protein forms L289V.
Identifiers: ClinVar variation 2146800 (VCV002146800.4), dbSNP rs121909511, ClinGen allele CA397304462.
Genomic context (GRCh38, chr17:4,900,845, plus strand): 5'-GGCTTCACCTGCCCAGGAGCGGCACGCTCAGAGAAGTCTCTGGGATTTTCTGGGCAATGA[G>C]GAACAAGAAGACGGTCTGGGCGAGCAGGACGTTGATGGAGACCGTGCATTTCTGGCCGCC-3'
Protein context (NP_000071.1, residues 279-299): VLLAQTVFLF[Leu289Val]IAQKIPETSL